The following is an entry in ClinVar:

NM_000551.4(VHL):c.76G>C (p.Glu26Gln)

Gene: VHL (von Hippel-Lindau tumor suppressor; plus strand). Cytogenetic location: 3p25.3.
Variant type: single nucleotide variant.
Coding change: c.76G>C on transcript NM_000551.4 (MANE Select); coding-DNA position 76, G replaced by C.
Protein change: p.Glu26Gln; replaces glutamic acid 26 with glutamine.
Molecular consequence: missense variant. On other transcripts: non-coding transcript variant (1).
Genome position (GRCh38, 1-based): chr3:10,141,923, G>C. VCF-style: chr3-10141923-G-C. GRCh37 (hg19) VCF-style: chr3-10183607-G-C.
Other names: c.76G>C, p.Glu26Gln (NM_001354723.2, NM_198156.3); short protein forms E26Q.
Identifiers: ClinVar variation 2946010 (VCV002946010.4), dbSNP rs1575921209, ClinGen allele CA351747441.

ClinVar aggregate classification (germline): Uncertain significance. Review status: criteria provided, multiple submitters, no conflicts (2 of 4 stars). 2 submissions from 2 submitters: Uncertain significance (2). Last evaluated 2024-07-22.

Conditions:
Von Hippel-Lindau syndrome (VHLS). Also called: von Hippel–Lindau syndrome; VHL syndrome; Von Hippel-Lindau. Identifiers: Orphanet 892, MedGen C0019562, MONDO:0008667, OMIM 193300. Disease mechanism: loss of function.
Chuvash polycythemia. Also called: POLYCYTHEMIA, VHL-DEPENDENT. Identifiers: Orphanet 238557, MedGen C1837915, MONDO:0009892, OMIM 263400.
Hereditary cancer-predisposing syndrome. Also called: Hereditary neoplastic syndrome; Neoplastic Syndromes, Hereditary; Tumor predisposition; Hereditary Cancer Syndrome. Identifiers: Orphanet 140162, MedGen C0027672, MeSH D009386, MONDO:0015356.

Submissions (2):

Ambry Genetics
Classification: Uncertain significance for Hereditary cancer-predisposing syndrome. Last evaluated: 2024-07-22. Review status: criteria provided, single submitter. Criteria: Ambry Variant Classification Scheme 2023. Collection method: clinical testing. Allele origin: germline.
Comment: The p.E26Q variant (also known as c.76G>C), located in coding exon 1 of the VHL gene, results from a G to C substitution at nucleotide position 76. The glutamic acid at codon 26 is replaced by glutamine, an amino acid with highly similar properties. This amino acid position is highly conserved in available vertebrate species. In addition, this alteration is predicted to be tolerated by in silico analysis. Based on the available evidence, the clinical significance of this variant remains unclear.

Labcorp Genetics (formerly Invitae), Labcorp
Classification: Uncertain significance for Von Hippel-Lindau syndrome; Chuvash polycythemia. Last evaluated: 2023-03-31. Review status: criteria provided, single submitter. Criteria: Invitae Variant Classification Sherloc (09022015). Collection method: clinical testing. Allele origin: germline.
Comment: In summary, the available evidence is currently insufficient to determine the role of this variant in disease. Therefore, it has been classified as a Variant of Uncertain Significance. Advanced modeling of protein sequence and biophysical properties (such as structural, functional, and spatial information, amino acid conservation, physicochemical variation, residue mobility, and thermodynamic stability) performed at Invitae indicates that this missense variant is not expected to disrupt VHL protein function. This variant has not been reported in the literature in individuals affected with VHL-related conditions. This variant is not present in population databases (gnomAD no frequency). This sequence change replaces glutamic acid, which is acidic and polar, with glutamine, which is neutral and polar, at codon 26 of the VHL protein (p.Glu26Gln).